The following is an entry in ClinVar:

NM_001006658.3(CR2):c.249A>C (p.Glu83Asp)

Gene: CR2 (complement C3d receptor 2; plus strand). Cytogenetic location: 1q32.2.
Variant type: single nucleotide variant.
Coding change: c.249A>C on transcript NM_001006658.3 (MANE Select); coding-DNA position 249, A replaced by C.
Protein change: p.Glu83Asp; replaces glutamic acid 83 with aspartic acid.
Molecular consequence: missense variant.
Genome position (GRCh38, 1-based): chr1:207,466,716, A>C. VCF-style: chr1-207466716-A-C. GRCh37 (hg19) VCF-style: chr1-207640061-A-C.
Other names: c.249A>C, p.Glu83Asp (NM_001877.5); short protein forms E83D.
Identifiers: ClinVar variation 655680 (VCV000655680.11), dbSNP rs749360324, ClinGen allele CA1368390.

ClinVar aggregate classification (germline): Uncertain significance. Review status: criteria provided, multiple submitters, no conflicts (2 of 4 stars). 4 submissions from 4 submitters: Uncertain significance (4). Last evaluated 2024-10-08.

Conditions:
Inborn genetic diseases. Identifiers: MedGen C0950123, MeSH D030342.
Systemic lupus erythematosus, susceptibility to, 9. Also called: Systemic lupus erythematosus 9. Identifiers: MedGen C1970455, MONDO:0012584, OMIM 610927.
Immunodeficiency, common variable, 2 (CVID2). Also called: HYPOGAMMAGLOBULINEMIA DUE TO TACI DEFICIENCY; ANTIBODY DEFICIENCY DUE TO TACI DEFECT. Identifiers: Orphanet 1572, MedGen C3150354, MONDO:0009413, OMIM 240500.
Immunodeficiency, common variable, 7. Identifiers: Orphanet 1572, Orphanet 696894, MedGen C3542922, MONDO:0013862, OMIM 614699.

Allele frequency attached by ClinVar (database versions not stated): ExAC 0.00001; gnomAD exomes 0.00003 and 0.00007; gnomAD 0.00007; TOPMed 0.00005.
gnomAD v4.1: 114 of 1,613,994 alleles (0.0071%); highest among the groups gnomAD compares: Non-Finnish European, 0.0089%; 1 homozygote.

Submissions (4):

Labcorp Genetics (formerly Invitae), Labcorp
Classification: Uncertain significance for Immunodeficiency, common variable, 7. Last evaluated: 2024-10-08. Review status: criteria provided, single submitter. Criteria: Invitae Variant Classification Sherloc (09022015). Collection method: clinical testing. Allele origin: germline.
Comment: This sequence change replaces glutamic acid, which is acidic and polar, with aspartic acid, which is acidic and polar, at codon 83 of the CR2 protein (p.Glu83Asp). This variant is present in population databases (rs749360324, gnomAD 0.006%). This variant has not been reported in the literature in individuals affected with CR2-related conditions. ClinVar contains an entry for this variant (Variation ID: 655680). An algorithm developed to predict the effect of missense changes on protein structure and function (PolyPhen-2) suggests that this variant is likely to be disruptive. In summary, the available evidence is currently insufficient to determine the role of this variant in disease. Therefore, it has been classified as a Variant of Uncertain Significance.

Genome-Nilou Lab
Classification: Uncertain significance for Immunodeficiency, common variable, 7. Last evaluated: 2023-04-11. Review status: criteria provided, single submitter. Criteria: ACMG Guidelines, 2015. Collection method: clinical testing. Allele origin: germline. Affected: no.

Ambry Genetics
Classification: Uncertain significance for Inborn genetic diseases. Last evaluated: 2022-11-23. Review status: criteria provided, single submitter. Criteria: Ambry Variant Classification Scheme 2023. Collection method: clinical testing. Allele origin: germline.

Fulgent Genetics
Classification: Uncertain significance for Immunodeficiency, common variable, 2; Systemic lupus erythematosus, susceptibility to, 9; Immunodeficiency, common variable, 7. Last evaluated: 2021-09-21. Review status: criteria provided, single submitter. Criteria: ACMG Guidelines, 2015. Collection method: clinical testing. Allele origin: unknown.